The following is an entry in ClinVar:

NM_003590.5(CUL3):c.433_436del (p.Ile145fs)

Gene: CUL3 (cullin 3; minus strand). Cytogenetic location: 2q36.2.
Variant type: Microsatellite.
Coding change: c.433_436del on transcript NM_003590.5 (MANE Select); coding-DNA positions 433 to 436, 4 bases deleted (ATTA; older notation c.433_436delATTA).
Protein change: p.Ile145fs; shifts the reading frame from isoleucine 145.
Molecular consequence: frameshift variant.
Genome position (GRCh38, 1-based): chr2:224,514,715-224,514,718, TAAT deleted on the plus strand (ATTA on the coding strand, the reverse complement: CUL3 is on the minus strand); deleting any 4 consecutive bases within chr2:224,514,715-224,514,722 gives the same sequence; the c. name uses the placement nearest the transcript's 3' end. VCF-style (leftmost placement, unchanged base first): chr2-224514714-ATAAT-A. GRCh37 (hg19) VCF-style: chr2-225379431-ATAAT-A.
Other names: c.433_436delATTA (NM_003590.4, NM_003590.3); c.433_436del (NM_003590.4); c.235_238del, p.Ile79fs (NM_001257197.2); c.451_454del, p.Ile151fs (NM_001257198.2); short protein forms I145fs, I151fs, I79fs.
Identifiers: ClinVar variation 1190331 (VCV001190331.5), dbSNP rs2106223668, ClinGen allele CA658776186.
Genomic context (GRCh38, chr2:224,514,714, plus strand): 5'-AATAGAGTTTGCCGTAGATGATCCCTAATACACCCATAACGTACAACTTGATCTCGAAAA[ATAAT>A]TAATCCCAAATTGTAGACGTTCTCCACATTATTTTGTTGTACATACACACGGTCCTACAG-3'

ClinVar aggregate classification (germline): Pathogenic. Review status: criteria provided, multiple submitters, no conflicts (2 of 4 stars). 3 submissions from 3 submitters: Pathogenic (3). Last evaluated 2025-05-02.

Conditions:
Inborn genetic diseases. Identifiers: MedGen C0950123, MeSH D030342.
CUL3-related disorder. Also called: CUL3-related condition; CUL3-related disorders.

Submissions (3):

Ambry Genetics
Classification: Pathogenic for Inborn genetic diseases. Last evaluated: 2025-05-02. Review status: criteria provided, single submitter. Criteria: Ambry Variant Classification Scheme 2023. Collection method: clinical testing. Allele origin: germline.
Comment: The c.433_436delATTA (p.I145Ffs*23) alteration, located in exon 4 (coding exon 4) of the CUL3 gene, consists of a deletion of 4 nucleotides from position 433 to 436, causing a translational frameshift with a predicted alternate stop codon after 23 amino acids. This alteration is expected to result in loss of function by premature protein truncation or nonsense-mediated mRNA decay. for CUL3-related neurodevelopmental disorder; however, its clinical significance for CUL3-related pseudohypoaldosteronism type II is uncertain. This variant was not reported in population-based cohorts in the Genome Aggregation Database (gnomAD). This variant was determined to be de novo in at least one individual with features consistent with CUL3-related neurodevelopmental disorder (Blackburn, 2024). Based on the available evidence, this alteration is classified as pathogenic.

GeneDx
Classification: Pathogenic. Last evaluated: 2024-10-28. Review status: criteria provided, single submitter. Criteria: GeneDx Variant Classification Process June 2021. Collection method: clinical testing. Allele origin: germline. Affected: yes.
Comment: Frameshift variant predicted to result in protein truncation or nonsense mediated decay in a gene for which loss of function is a known mechanism of disease; Not observed at significant frequency in large population cohorts (gnomAD); This variant is associated with the following publications: (PMID: 28191890, 23665959, 32368696, 35982159, 35982160, 37665043)

Daryl Scott Lab, Baylor College of Medicine
Classification: Pathogenic for CUL3-related disorder. Last evaluated: 2024-01-01. Review status: criteria provided, single submitter. Criteria: ACMG Guidelines, 2015. Collection method: clinical testing. Allele origin: maternal. Affected: yes. Observed: 1 heterozygote.
Comment: PVS1, PS2, PM2

Literature cited by the submitters: PubMed 39301775 (cited by Ambry Genetics).